The following is an entry in ClinVar:

NM_001267550.2(TTN):c.102094_102096dup (p.Tyr34032dup)

Genes: TTN (titin; minus strand), TTN-AS1 (TTN antisense RNA 1; plus strand). Cytogenetic location: 2q31.2.
Variant type: Duplication.
Coding change: c.102094_102096dup on transcript NM_001267550.2 (MANE Select); coding-DNA positions 102094 to 102096, 3 bases duplicated (TAT; older notation c.102094_102096dupTAT).
Protein change: p.Tyr34032dup; duplicates tyrosine 34032.
Molecular consequence: inframe insertion.
Genome position (GRCh38, 1-based): chr2:178,534,519-178,534,521, ATA duplicated on the plus strand (TAT on the coding strand, the reverse complement: TTN is on the minus strand). VCF-style (leftmost placement, unchanged base first): chr2-178534518-T-TATA. GRCh37 (hg19) VCF-style: chr2-179399245-T-TATA.
Other names: c.97171_97173dup, p.Tyr32391dup (NM_001256850.1); c.74899_74901dup, p.Tyr24967dup (NM_003319.4); c.94390_94392dup, p.Tyr31464dup (NM_133378.4); c.75274_75276dup, p.Tyr25092dup (NM_133432.3); c.75475_75477dup, p.Tyr25159dup (NM_133437.4); c.74899_74901dupTAT (NM_003319.4).
Identifiers: ClinVar variation 626642 (VCV000626642.8), dbSNP rs763311506, ClinGen allele CA60959520.

ClinVar aggregate classification (germline): Uncertain significance. Review status: criteria provided, multiple submitters, no conflicts (2 of 4 stars). 3 submissions from 3 submitters: Uncertain significance (3). Last evaluated 2025-10-01.

Conditions:
Cardiovascular phenotype. Identifiers: MedGen CN230736.
Cardiomyopathy (CMYO). Also called: Cardiomyopathies. Identifiers: Orphanet 167848, MedGen C0878544, MONDO:0004994, HP:0001638. Inheritance: Various modes of inheritance.

Allele frequency attached by ClinVar (database versions not stated): gnomAD 0.00003; gnomAD exomes 0.00007; TOPMed 0.00002.

Submissions (3):

Ambry Genetics
Classification: Uncertain significance for Cardiovascular phenotype. Last evaluated: 2025-10-01. Review status: criteria provided, single submitter. Criteria: Ambry Variant Classification Scheme 2023. Collection method: clinical testing. Allele origin: germline.
Comment: The c.74899_74901dupTAT variant (also known as p.Y24967dup), located in coding exon 185 of the TTN gene, results from an in-frame duplication of TAT at nucleotide positions 74899 to 74901. This results in the duplication of an extra residue between codons 24967 and 24968. This amino acid position is well conserved in available vertebrate species. In addition, this alteration is predicted to be deleterious by in silico analysis (Choi Y et al. PLoS ONE. 2012; 7(10):e46688). Since supporting evidence is limited at this time, the clinical significance of this alteration remains unclear.

Revvity Omics, Revvity
Classification: Uncertain significance. Last evaluated: 2023-12-01. Review status: criteria provided, single submitter. Criteria: ACMG Guidelines, 2015. Collection method: clinical testing. Allele origin: germline.

CHEO Genetics Diagnostic Laboratory, Children's Hospital of Eastern Ontario
Classification: Uncertain significance for Cardiomyopathy. Last evaluated: 2016-09-02. Review status: criteria provided, single submitter. Criteria: ACMG Guidelines, 2015. Collection method: clinical testing. Allele origin: germline. Study: Canadian Open Genetics Repository.